The following is an entry in ClinVar:

NM_138368.5(AP5B1):c.463C>T (p.Arg155Ter)

Gene: AP5B1 (adaptor related protein complex 5 subunit beta 1; minus strand). Cytogenetic location: 11q13.1.
Variant type: single nucleotide variant.
Coding change: c.463C>T on transcript NM_138368.5 (MANE Select); coding-DNA position 463, C replaced by T.
Protein change: p.Arg155Ter; replaces arginine 155 with a stop codon.
Molecular consequence: nonsense.
Genome position (GRCh38, 1-based): chr11:65,780,030, G>A on the plus strand (C>T on the coding strand, the complement: AP5B1 is on the minus strand). VCF-style: chr11-65780030-G-A. GRCh37 (hg19) VCF-style: chr11-65547501-G-A.
Other names: NC_000011.9:g.65547501G>A; NP_612377.4:p.(Arg155Ter); short protein forms R155*.
Identifiers: ClinVar variation 3777719 (VCV003777719.1).

ClinVar aggregate classification (germline): Likely pathogenic (1 of 4 stars; one submission).

Conditions:
Macular dystrophy with or without extraocular features.

gnomAD v4.1: 3 of 1,554,678 alleles (0.00019%); highest among the groups gnomAD compares: South Asian, 0.0035%; no homozygotes.

Submission:

Ophthalmic Genetics Group, Institute of Molecular and Clinical Ophthalmology Basel
Classification: Likely pathogenic for Macular dystrophy with or without extraocular features. Last evaluated: 2024-12-17. Review status: criteria provided, single submitter. Criteria: ACMG Guidelines, 2015. Collection method: research. Allele origin: germline. Affected: yes. Observed: 1 variant allele.
Comment: This stopgain change is introducing a premature termination codon at amino acid position 155 (in the last exon), resulting in a truncated AP5B1 protein (removing >10% of the transcript). This variant has a low population frequency based on gnomAD v2.1.1. It was classified as Likely pathogenic based on ACMG criteria: PVS1_strong, PM2_mod.

Literature cited by the submitters: PubMed 40081374.